The following is an entry in ClinVar:

ClinVar aggregate classification (germline): Uncertain significance. Review status: criteria provided, multiple submitters, no conflicts (2 of 4 stars). 2 submissions from 2 submitters: Uncertain significance (2). Last evaluated 2023-06-13.

Conditions:
Congenital myasthenic syndrome 8. Also called: MYASTHENIC SYNDROME, CONGENITAL, DUE TO AGRIN DEFICIENCY; Myasthenic syndrome, congenital, 8, with pre- and postsynaptic defects. Identifiers: Orphanet 590, MedGen C3808739, MONDO:0014052, OMIM 615120.

Allele frequency attached by ClinVar (database versions not stated): gnomAD exomes below 0.00001.

Submissions (2):

Labcorp Genetics (formerly Invitae), Labcorp
Classification: Uncertain significance for Congenital myasthenic syndrome 8. Last evaluated: 2023-06-13. Review status: criteria provided, single submitter. Criteria: Invitae Variant Classification Sherloc (09022015). Collection method: clinical testing. Allele origin: germline.
Comment: In summary, the available evidence is currently insufficient to determine the role of this variant in disease. Therefore, it has been classified as a Variant of Uncertain Significance. An algorithm developed to predict the effect of missense changes on protein structure and function (PolyPhen-2) suggests that this variant is likely to be disruptive. ClinVar contains an entry for this variant (Variation ID: 385926). This variant has not been reported in the literature in individuals affected with AGRN-related conditions. This variant is not present in population databases (gnomAD no frequency). This sequence change replaces lysine, which is basic and polar, with glutamic acid, which is acidic and polar, at codon 2007 of the AGRN protein (p.Lys2007Glu).

GeneDx
Classification: Uncertain significance. Last evaluated: 2016-05-02. Review status: criteria provided, single submitter. Criteria: GeneDx Variant Classification (06012015). Collection method: clinical testing. Allele origin: germline. Affected: yes.
Comment: The K2007E variant in the AGRN gene has not been reported previously as a pathogenic variant, nor as a benign variant, to our knowledge. The K2007E variant was not observed in approximately 6400 individuals of European and African American ancestry in the NHLBI Exome Sequencing Project, indicating it is not a common benign variant in these populations. The K2007E variant is a non-conservative amino acid substitution, which is likely to impact secondary protein structure as these residues differ in polarity, charge, size and/or other properties. This substitution occurs at a position that is conserved across species. In silico analysis is inconsistent in its predictions as to whether or not the variant is damaging to the protein structure/function. We interpret K2007E as a variant of uncertain significance.

NM_198576.4(AGRN):c.6019A>G (p.Lys2007Glu)

Gene: AGRN (agrin; plus strand). Cytogenetic location: 1p36.33.
Variant type: single nucleotide variant.
Coding change: c.6019A>G on transcript NM_198576.4 (MANE Select); coding-DNA position 6019, A replaced by G.
Protein change: p.Lys2007Glu; replaces lysine 2007 with glutamic acid.
Molecular consequence: missense variant.
Genome position (GRCh38, 1-based): chr1:1,054,862, A>G. VCF-style: chr1-1054862-A-G. GRCh37 (hg19) VCF-style: chr1-990242-A-G.
Other names: c.6088A>G, p.Lys2030Glu (NM_001305275.2); c.5716A>G, p.Lys1906Glu (NM_001364727.2); short protein forms K2007E, K1906E, K2030E.
Identifiers: ClinVar variation 385926 (VCV000385926.7), dbSNP rs1057522367, ClinGen allele CA16603386.